The following is an entry in ClinVar:

NM_199355.4(ADAMTS18):c.94C>T (p.Leu32Phe)

Gene: ADAMTS18 (ADAM metallopeptidase with thrombospondin type 1 motif 18; minus strand). Cytogenetic location: 16q23.1.
Variant type: single nucleotide variant.
Coding change: c.94C>T on transcript NM_199355.4 (MANE Select); coding-DNA position 94, C replaced by T.
Protein change: p.Leu32Phe; replaces leucine 32 with phenylalanine.
Molecular consequence: missense variant. On other transcripts: 5 prime UTR variant (1).
Genome position (GRCh38, 1-based): chr16:77,434,502, G>A on the plus strand (C>T on the coding strand, the complement: ADAMTS18 is on the minus strand). VCF-style: chr16-77434502-G-A. GRCh37 (hg19) VCF-style: chr16-77468399-G-A.
Other names: c.94C>T (NM_199355.2); c.-427C>T (NM_001326358.2); short protein forms L32F.
Identifiers: ClinVar variation 943490 (VCV000943490.8), dbSNP rs936118515, ClinGen allele CA284898456.

ClinVar aggregate classification (germline): Uncertain significance. Review status: criteria provided, multiple submitters, no conflicts (2 of 4 stars). 2 submissions from 2 submitters: Uncertain significance (2). Last evaluated 2025-08-20.

Conditions:
Inborn genetic diseases. Identifiers: MedGen C0950123, MeSH D030342.

Allele frequency attached by ClinVar (database versions not stated): gnomAD 0.00001; gnomAD exomes 0.00001 and 0.00003; TOPMed 0.00004.
gnomAD v4.1: 14 of 1,558,354 alleles (0.0009%); highest among the groups gnomAD compares: African/African-American, 0.016%; no homozygotes.

Submissions (2):

Ambry Genetics
Classification: Uncertain significance for Inborn genetic diseases. Last evaluated: 2025-08-20. Review status: criteria provided, single submitter. Criteria: Ambry Variant Classification Scheme 2023. Collection method: clinical testing. Allele origin: germline.

Labcorp Genetics (formerly Invitae), Labcorp
Classification: Uncertain significance. Last evaluated: 2023-10-03. Review status: criteria provided, single submitter. Criteria: Invitae Variant Classification Sherloc (09022015). Collection method: clinical testing. Allele origin: germline.
Comment: This sequence change replaces leucine, which is neutral and non-polar, with phenylalanine, which is neutral and non-polar, at codon 32 of the ADAMTS18 protein (p.Leu32Phe). This variant is present in population databases (no rsID available, gnomAD 0.05%). This variant has not been reported in the literature in individuals affected with ADAMTS18-related conditions. ClinVar contains an entry for this variant (Variation ID: 943490). An algorithm developed to predict the effect of missense changes on protein structure and function (PolyPhen-2) suggests that this variant¬†is likely to be tolerated. In summary, the available evidence is currently insufficient to determine the role of this variant in disease. Therefore, it has been classified as a Variant of Uncertain Significance.